The following is an entry in ClinVar:

ClinVar aggregate classification (germline): Benign. Review status: criteria provided, single submitter (1 of 4 stars). 2 submissions from 2 submitters: Benign (1). 1 of the submissions does not count toward it. Last evaluated 2026-01-05.

Conditions:
RIPPLY2-related disorder. Also called: RIPPLY2-related condition.

Allele frequency attached by ClinVar (database versions not stated): gnomAD 0.00053 and 0.00058; TOPMed 0.00058; 1000 Genomes Project 0.00080; ESP Exome Variant Server 0.00085; 1000 Genomes Project 30x 0.00109.
gnomAD v4.1: 161 of 1,613,736 alleles (0.01%); highest among the groups gnomAD compares: African/African-American, 0.2%; no homozygotes.

Submissions (2):

Labcorp Genetics (formerly Invitae), Labcorp
Classification: Benign. Last evaluated: 2026-01-05. Review status: criteria provided, single submitter. Criteria: Invitae Variant Classification Sherloc (09022015). Collection method: clinical testing. Allele origin: germline.

PreventionGenetics, part of Exact Sciences
Classification: Likely benign for RIPPLY2-related condition. Last evaluated: 2019-08-13. Review status: no assertion criteria provided. Collection method: clinical testing. Allele origin: germline. Not counted in ClinVar's aggregate classification.
Comment: This variant is classified as likely benign based on ACMG/AMP sequence variant interpretation guidelines (Richards et al. 2015 PMID: 25741868, with internal and published modifications).

NM_001009994.3(RIPPLY2):c.129C>G (p.Ala43=)

Genes: RIPPLY2 (ripply transcriptional repressor 2; plus strand), RIPPLY2-CYB5R4 (RIPPLY2-CYB5R4 readthrough; plus strand). Cytogenetic location: 6q14.2.
Variant type: single nucleotide variant.
Coding change: c.129C>G on transcript NM_001009994.3 (MANE Select); coding-DNA position 129, C replaced by G.
Protein change: p.Ala43=; no amino-acid change (alanine 43 retained).
Molecular consequence: synonymous variant. On other transcripts: non-coding transcript variant (1).
Genome position (GRCh38, 1-based): chr6:83,853,728, C>G. VCF-style: chr6-83853728-C-G. GRCh37 (hg19) VCF-style: chr6-84563447-C-G.
Identifiers: ClinVar variation 761510 (VCV000761510.13), dbSNP rs138853939, ClinGen allele CA3908831.